The following is an entry in ClinVar:

NM_001382567.1(STIM1):c.1229T>C (p.Leu410Pro)

Gene: STIM1 (stromal interaction molecule 1; plus strand). Cytogenetic location: 11p15.4.
Variant type: single nucleotide variant.
Coding change: c.1229T>C on transcript NM_001382567.1 (MANE Select); coding-DNA position 1229, T replaced by C.
Protein change: p.Leu410Pro; replaces leucine 410 with proline.
Molecular consequence: missense variant. On other transcripts: non-coding transcript variant (2).
Genome position (GRCh38, 1-based): chr11:4,082,973, T>C. VCF-style: chr11-4082973-T-C. GRCh37 (hg19) VCF-style: chr11-4104203-T-C.
Other names: c.1007T>C, p.Leu336Pro (NM_001382576.1, NM_001382577.1, NM_001382578.1 and 4 more transcripts); c.740T>C, p.Leu247Pro (NM_001382580.1, NM_001382581.1); c.1229T>C, p.Leu410Pro (NM_003156.4, NM_001277961.3, NM_001277962.2 and 1 more transcripts); c.1094T>C, p.Leu365Pro (NM_001382569.1); c.1001T>C, p.Leu334Pro (NM_001382570.1); c.749T>C, p.Leu250Pro (NM_001382571.1); short protein forms L247P, L250P, L334P, L336P, L365P, L410P.
Identifiers: ClinVar variation 5019871 (VCV005019871.1).

ClinVar aggregate classification (germline): Uncertain significance (1 of 4 stars; one submission).

Conditions:
Stormorken syndrome (STRMK). Also called: THROMBOCYTOPATHY, ASPLENIA, AND MIOSIS. Identifiers: Orphanet 3204, MedGen C1861451, MONDO:0008497, OMIM 185070.

Submission:

Juno Genomics, Hangzhou Juno Genomics, Inc
Classification: Uncertain significance for Stormorken syndrome. Review status: criteria provided, single submitter. Criteria: ACMG Guidelines, 2015. Collection method: clinical testing. Allele origin: germline. Affected: yes.
Comment: Absent from controls (or at extremely low frequency if recessive) in Genome Aggregation Database.;De novo (both maternity and paternity confirmed) in a patient with the disease and no family history.;Multiple lines of computational evidence support a deleterious effect on the gene or gene product.